The following is an entry in ClinVar:

ClinVar aggregate classification (germline): Uncertain significance (1 of 4 stars; one submission).

gnomAD v4.1: 48 of 1,551,816 alleles (0.0031%); highest among the groups gnomAD compares: African/African-American, 0.033%; no homozygotes.

Submission:

Labcorp Genetics (formerly Invitae), Labcorp
Classification: Uncertain significance. Last evaluated: 2025-11-12. Review status: criteria provided, single submitter. Criteria: Invitae Variant Classification Sherloc (09022015). Collection method: clinical testing. Allele origin: germline.
Comment: This sequence change affects codon 822 of the HR mRNA. It is a 'silent' change, meaning that it does not change the encoded amino acid sequence of the HR protein. This variant is present in population databases (no rsID available, gnomAD 0.03%). This variant has not been reported in the literature in individuals affected with HR-related conditions. Algorithms developed to predict the effect of sequence changes on RNA splicing suggest that this variant may create or strengthen a splice site. In summary, the available evidence is currently insufficient to determine the role of this variant in disease. Therefore, it has been classified as a Variant of Uncertain Significance.

NM_005144.5(HR):c.2466G>A (p.Pro822=)

Gene: HR (HR lysine demethylase and nuclear receptor corepressor; minus strand). Cytogenetic location: 8p21.3.
Variant type: single nucleotide variant.
Coding change: c.2466G>A on transcript NM_005144.5 (MANE Select); coding-DNA position 2466, G replaced by A.
Protein change: p.Pro822=; no amino-acid change (proline 822 retained).
Molecular consequence: synonymous variant.
Genome position (GRCh38, 1-based): chr8:22,120,860, C>T on the plus strand (G>A on the coding strand, the complement: HR is on the minus strand). VCF-style: chr8-22120860-C-T. GRCh37 (hg19) VCF-style: chr8-21978373-C-T.
Other names: c.2466G>A, p.Pro822= (NM_018411.4).
Identifiers: ClinVar variation 4725865 (VCV004725865.1).
Genomic context (GRCh38, chr8:22,120,860, plus strand): 5'-TGGGGGAGGCAGCCGGGGCCGCACTGGAGAGAGGGGCAGGCCCAGGCCCTTGCGCAGACC[C>T]GGGCCAGCTCGAAGCCCCGGCCCCAGGGCTTTCTCCTGGATCTTCCGTTCCACCACCTGT-3'
Protein context (NP_005135.2, residues 812-832): KALGPGLRAG[Pro822=]GLRKGLGLPL